The following is an entry in ClinVar:

ClinVar aggregate classification (germline): Uncertain significance (1 of 4 stars; one submission).

Submission:

Labcorp Genetics (formerly Invitae), Labcorp
Classification: Uncertain significance. Last evaluated: 2021-12-02. Review status: criteria provided, single submitter. Criteria: Invitae Variant Classification Sherloc (09022015). Collection method: clinical testing. Allele origin: germline.
Comment: In summary, the available evidence is currently insufficient to determine the role of this variant in disease. Therefore, it has been classified as a Variant of Uncertain Significance. This variant has not been reported in the literature in individuals affected with TMTC3-related conditions. A copy number gain of the genomic region encompassing the full coding sequence of the TMTC3 gene has been identified. The boundaries of this event are unknown as they extend beyond the assayed region for this gene and therefore may encompass additional genes. As the precise location of this event is unknown, it may be in tandem or it may be located elsewhere in the genome.

NC_000012.11:g.(?_88442961)_(89919672_?)dup

Genes: CEP290 (centrosomal protein 290; minus strand), DUSP6 (dual specificity phosphatase 6; minus strand), GALNT4 (polypeptide N-acetylgalactosaminyltransferase 4; minus strand), KITLG (KIT ligand; minus strand), POC1B (POC1 centriolar protein B; minus strand) and 3 more. Cytogenetic location: 12q21.32-21.33.
Variant type: Duplication.
Identifiers: ClinVar variation 1514734 (VCV001514734.5).